The following is an entry in ClinVar:

ClinVar aggregate classification (germline): Uncertain significance (1 of 4 stars; one submission).

Allele frequency attached by ClinVar (database versions not stated): gnomAD exomes below 0.00001.
gnomAD v4.1: 2 of 1,614,144 alleles (0.00012%); highest among the groups gnomAD compares: Admixed American, 0.0033%; no homozygotes.

Submission:

Labcorp Genetics (formerly Invitae), Labcorp
Classification: Uncertain significance. Last evaluated: 2021-10-08. Review status: criteria provided, single submitter. Criteria: Invitae Variant Classification Sherloc (09022015). Collection method: clinical testing. Allele origin: germline.
Comment: In summary, the available evidence is currently insufficient to determine the role of this variant in disease. Therefore, it has been classified as a Variant of Uncertain Significance. Algorithms developed to predict the effect of missense changes on protein structure and function are either unavailable or do not agree on the potential impact of this missense change (SIFT: "Tolerated"; PolyPhen-2: "Probably Damaging"; Align-GVGD: "Class C0"). This variant has not been reported in the literature in individuals affected with TACO1-related conditions. This variant is not present in population databases (ExAC no frequency). This sequence change replaces glutamic acid with alanine at codon 151 of the TACO1 protein (p.Glu151Ala). The glutamic acid residue is highly conserved and there is a moderate physicochemical difference between glutamic acid and alanine.

NM_016360.4(TACO1):c.452A>C (p.Glu151Ala)

Gene: TACO1 (translational activator of cytochrome c oxidase I; plus strand). Cytogenetic location: 17q23.3.
Variant type: single nucleotide variant.
Coding change: c.452A>C on transcript NM_016360.4 (MANE Select); coding-DNA position 452, A replaced by C.
Protein change: p.Glu151Ala; replaces glutamic acid 151 with alanine.
Molecular consequence: missense variant.
Genome position (GRCh38, 1-based): chr17:63,606,377, A>C. VCF-style: chr17-63606377-A-C. GRCh37 (hg19) VCF-style: chr17-61683737-A-C.
Other names: short protein forms E151A.
Identifiers: ClinVar variation 1428976 (VCV001428976.6), dbSNP rs1478656371, ClinGen allele CA400551454.
Genomic context (GRCh38, chr17:63,606,377, plus strand): 5'-CCAAGGACACTTATTTGCTGTATGAGGGTCGAGGCCCTGGTGGCTCTTCTCTGCTCATCG[A>C]GGCATTATCTAACAGTAGCCACAAGTGCCAAGCAGACATTAGACATATCCTGAATAAGAA-3'
Protein context (NP_057444.2, residues 141-161): RGPGGSSLLI[Glu151Ala]ALSNSSHKCQ